The following is an entry in ClinVar:

ClinVar aggregate classification (germline): Likely benign (1 of 4 stars; one submission).

Conditions:
COL18A1-related disorder. Also called: COL18A1-related condition; COL18A1-related disorders.

Submission:

PreventionGenetics, part of Exact Sciences
Classification: Likely benign for COL18A1-related condition. Last evaluated: 2025-09-26. Review status: criteria provided, single submitter. Criteria: ACMG Guidelines, 2015. Collection method: clinical testing. Allele origin: germline.
Comment: This variant is classified as likely benign based on ACMG/AMP sequence variant interpretation guidelines (Richards et al. 2015 PMID: 25741868, with internal and published modifications).

NM_001379500.1(COL18A1):c.3411C>T (p.Ala1137=)

Genes: COL18A1 (collagen type XVIII alpha 1 chain; plus strand), SLC19A1 (solute carrier family 19 member 1; minus strand). Cytogenetic location: 21q22.3.
Variant type: single nucleotide variant.
Coding change: c.3411C>T on transcript NM_001379500.1 (MANE Select); coding-DNA position 3411, C replaced by T.
Protein change: p.Ala1137=; no amino-acid change (alanine 1137 retained).
Molecular consequence: synonymous variant.
Genome position (GRCh38, 1-based): chr21:45,509,517, C>T. VCF-style: chr21-45509517-C-T. GRCh37 (hg19) VCF-style: chr21-46929431-C-T.
Other names: c.3942C>T, p.Ala1314= (NM_030582.4); c.4647C>T, p.Ala1549= (NM_130444.3).
Identifiers: ClinVar variation 4981402 (VCV004981402.1).